The following is an entry in ClinVar:

NM_004612.4(TGFBR1):c.884dup (p.Tyr295Ter)

Gene: TGFBR1 (transforming growth factor beta receptor 1; plus strand). Cytogenetic location: 9q22.33.
Variant type: Duplication.
Coding change: c.884dup on transcript NM_004612.4 (MANE Select); coding-DNA position 884, one base duplicated (A; older notation c.884dupA).
Protein change: p.Tyr295Ter; replaces tyrosine 295 with a stop codon.
Molecular consequence: nonsense. On other transcripts: non-coding transcript variant (4), intron variant (2).
Genome position (GRCh38, 1-based): chr9:99,142,614, A duplicated. VCF-style (leftmost placement, unchanged base first): chr9-99142613-T-TA. GRCh37 (hg19) VCF-style: chr9-101904895-T-TA.
Other names: c.653dup, p.Tyr218Ter (NM_001130916.3, NM_001407435.1); c.896dup, p.Tyr299Ter (NM_001306210.2); c.689dup, p.Tyr230Ter (NM_001407418.1, NM_001407419.1, NM_001407420.1 and 1 more transcripts); c.677dup, p.Tyr226Ter (NM_001407423.1, NM_001407424.1, NM_001407425.1 and 8 more transcripts); c.638dup, p.Tyr213Ter (NM_001407436.1); c.176dup, p.Tyr59Ter (NM_001407437.1); c.407dup, p.Tyr136Ter (NM_001407438.1); c.818-2118dup (NM_001407416.1); and 1 more; short protein forms Y136*, Y226*, Y218*, Y213*, Y230*, Y299*, Y59*, Y295*.
Identifiers: ClinVar variation 4733963 (VCV004733963.1).

ClinVar aggregate classification (germline): Pathogenic (1 of 4 stars; one submission).

Conditions:
Familial thoracic aortic aneurysm and aortic dissection (TAAD). Also called: Thoracic aortic aneurysms and dissections. Identifiers: Orphanet 91387, MedGen C4707243, MONDO:0019625.

Submission:

Labcorp Genetics (formerly Invitae), Labcorp
Classification: Pathogenic for Familial thoracic aortic aneurysm and aortic dissection. Last evaluated: 2025-12-23. Review status: criteria provided, single submitter. Criteria: Invitae Variant Classification Sherloc (09022015). Collection method: clinical testing. Allele origin: germline.
Comment: This sequence change creates a premature translational stop signal (p.Tyr295*) in the TGFBR1 gene. It is expected to result in an absent or disrupted protein product. Loss-of-function variants in TGFBR1 are known to be pathogenic (PMID: 21358634). This variant is not present in population databases (gnomAD no frequency). This variant has not been reported in the literature in individuals affected with TGFBR1-related conditions. For these reasons, this variant has been classified as Pathogenic.

Literature cited by the submitters: PubMed 21358634.